The following is an entry in ClinVar:

NM_002900.3(RBP3):c.1077C>A (p.Phe359Leu)

Gene: RBP3 (retinol binding protein 3; plus strand). Cytogenetic location: 10q11.22.
Variant type: single nucleotide variant.
Coding change: c.1077C>A on transcript NM_002900.3 (MANE Select); coding-DNA position 1077, C replaced by A.
Protein change: p.Phe359Leu; replaces phenylalanine 359 with leucine.
Molecular consequence: missense variant.
Genome position (GRCh38, 1-based): chr10:47,349,561, C>A. VCF-style: chr10-47349561-C-A. GRCh37 (hg19) VCF-style: chr10-48389801-G-T.
Other names: short protein forms F359L.
Identifiers: ClinVar variation 969166 (VCV000969166.9), dbSNP rs781973079, ClinGen allele CA206461293.

ClinVar aggregate classification (germline): Uncertain significance (1 of 4 stars; one submission).

Submission:

Labcorp Genetics (formerly Invitae), Labcorp
Classification: Uncertain significance. Last evaluated: 2019-10-14. Review status: criteria provided, single submitter. Criteria: Invitae Variant Classification Sherloc (09022015). Collection method: clinical testing. Allele origin: germline.
Comment: In summary, the available evidence is currently insufficient to determine the role of this variant in disease. Therefore, it has been classified as a Variant of Uncertain Significance. Algorithms developed to predict the effect of missense changes on protein structure and function output the following: SIFT: "Tolerated"; PolyPhen-2: "Benign"; Align-GVGD: "Class C0". The leucine amino acid residue is found in multiple mammalian species, suggesting that this missense change does not adversely affect protein function. These predictions have not been confirmed by published functional studies and their clinical significance is uncertain. This variant has not been reported in the literature in individuals with RBP3-related conditions. This variant is not present in population databases (ExAC no frequency). This sequence change replaces phenylalanine with leucine at codon 359 of the RBP3 protein (p.Phe359Leu). The phenylalanine residue is weakly conserved and there is a small physicochemical difference between phenylalanine and leucine.